The following is an entry in ClinVar:

NM_003041.4(SLC5A2):c.704G>A (p.Gly235Glu)

Gene: SLC5A2 (solute carrier family 5 member 2; plus strand). Cytogenetic location: 16p11.2.
Variant type: single nucleotide variant.
Coding change: c.704G>A on transcript NM_003041.4 (MANE Select); coding-DNA position 704, G replaced by A.
Protein change: p.Gly235Glu; replaces glycine 235 with glutamic acid.
Molecular consequence: missense variant. On other transcripts: non-coding transcript variant (1).
Genome position (GRCh38, 1-based): chr16:31,487,578, G>A. VCF-style: chr16-31487578-G-A. GRCh37 (hg19) VCF-style: chr16-31498899-G-A.
Other names: p.Gly235Glu; short protein forms G235E.
Identifiers: ClinVar variation 319057 (VCV000319057.11), dbSNP rs138795531, ClinGen allele CA8030849.

ClinVar aggregate classification (germline): Conflicting classifications of pathogenicity. Review status: criteria provided, conflicting classifications (1 of 4 stars). 5 submissions from 5 submitters: Uncertain significance (4); Likely benign (1). Last evaluated 2025-07-15.

Conditions:
Inborn genetic diseases. Identifiers: MedGen C0950123, MeSH D030342.
Familial renal glucosuria (GLYS). Also called: RENAL GLUCOSURIA, AUTOSOMAL DOMINANT; Familial renal glycosuria. Identifiers: Orphanet 69076, MedGen C3245525, MONDO:0009297, OMIM 233100.

Allele frequency attached by ClinVar (database versions not stated): 1000 Genomes Project 30x 0.00031; ExAC 0.00037; 1000 Genomes Project 0.00040; ESP Exome Variant Server 0.00054; gnomAD exomes 0.00054 and 0.00073; gnomAD 0.00080 and 0.00086; TOPMed 0.00080.
gnomAD v4.1: 1,177 of 1,613,920 alleles (0.073%); highest among the groups gnomAD compares: Admixed American, 0.12%; 2 homozygotes.

Submissions (5):

Ambry Genetics
Classification: Uncertain significance for Inborn genetic diseases. Last evaluated: 2025-07-15. Review status: criteria provided, single submitter. Criteria: Ambry Variant Classification Scheme 2023. Collection method: clinical testing. Allele origin: germline.

Revvity Omics, Revvity
Classification: Uncertain significance for Familial renal glucosuria. Last evaluated: 2024-10-22. Review status: criteria provided, single submitter. Criteria: ACMG Guidelines, 2015. Collection method: clinical testing. Allele origin: germline.

Fulgent Genetics
Classification: Likely benign for Familial renal glucosuria. Last evaluated: 2024-04-26. Review status: criteria provided, single submitter. Criteria: ACMG Guidelines, 2015. Collection method: clinical testing. Allele origin: germline.

Mayo Clinic Laboratories, Mayo Clinic
Classification: Uncertain significance. Last evaluated: 2023-06-02. Review status: criteria provided, single submitter. Criteria: ACMG Guidelines, 2015. Collection method: clinical testing. Allele origin: germline. Observed: 1 variant allele.
Comment: BP4_strong

Illumina Laboratory Services, Illumina
Classification: Uncertain significance for Familial renal glucosuria. Last evaluated: 2018-01-13. Review status: criteria provided, single submitter. Criteria: ICSL Variant Classification Criteria 13 December 2019. Collection method: clinical testing. Allele origin: germline.